The following is an entry in ClinVar:

ClinVar aggregate classification (germline): Pathogenic. Review status: criteria provided, multiple submitters, no conflicts (2 of 4 stars). 2 submissions from 2 submitters: Pathogenic (2). Last evaluated 2025-02-20.

Conditions:
Familial adenomatous polyposis 2. Also called: COLORECTAL ADENOMATOUS POLYPOSIS, AUTOSOMAL RECESSIVE; ADENOMAS, MULTIPLE COLORECTAL, AUTOSOMAL RECESSIVE; MUTYH-related attenuated familial adenomatous polyposis; MUTYH-associated polyposis; MYH-associated polyposis; MUTYH Polyposis. Identifiers: Orphanet 220460, Orphanet 247798, MedGen C3272841, MONDO:0012041, OMIM 608456.
Hereditary cancer-predisposing syndrome. Also called: Tumor predisposition; Hereditary neoplastic syndrome; Hereditary Cancer Syndrome; Neoplastic Syndromes, Hereditary. Identifiers: Orphanet 140162, MedGen C0027672, MeSH D009386, MONDO:0015356.

Submissions (2):

Ambry Genetics
Classification: Pathogenic for Hereditary cancer-predisposing syndrome. Last evaluated: 2025-02-20. Review status: criteria provided, single submitter. Criteria: Ambry Variant Classification Scheme 2023. Collection method: clinical testing. Allele origin: germline.
Comment: The c.724delG pathogenic mutation, located in coding exon 9 of the MUTYH gene, results from a deletion of one nucleotide at nucleotide position 724, causing a translational frameshift with a predicted alternate stop codon (p.V242Cfs*24). This variant has been identified in the homozygous state and/or in conjunction with other MUTYH variant(s) in individual(s), but clinical details were limited (Ambry internal data). This variant is considered to be rare based on population cohorts in the Genome Aggregation Database (gnomAD). This alteration is expected to result in loss of function by premature protein truncation or nonsense-mediated mRNA decay. As such, this alteration is interpreted as a disease-causing mutation.

Labcorp Genetics (formerly Invitae), Labcorp
Classification: Pathogenic for Familial adenomatous polyposis 2. Last evaluated: 2023-05-04. Review status: criteria provided, single submitter. Criteria: Invitae Variant Classification Sherloc (09022015). Collection method: clinical testing. Allele origin: germline.
Comment: This variant has not been reported in the literature in individuals affected with MUTYH-related conditions. This sequence change creates a premature translational stop signal (p.Val242Cysfs*24) in the MUTYH gene. It is expected to result in an absent or disrupted protein product. Loss-of-function variants in MUTYH are known to be pathogenic (PMID: 18534194, 20663686). This variant is not present in population databases (gnomAD no frequency). For these reasons, this variant has been classified as Pathogenic.

Literature cited by the submitters: PubMed 18534194 (cited by Labcorp Genetics (formerly Invitae), Labcorp); PubMed 20663686 (cited by Labcorp Genetics (formerly Invitae), Labcorp).

NM_001048174.2(MUTYH):c.640del (p.Val214fs)

Gene: MUTYH (mutY DNA glycosylase; minus strand). Cytogenetic location: 1p34.1.
Variant type: Deletion.
Coding change: c.640del on transcript NM_001048174.2 (MANE Select); coding-DNA position 640, one base deleted (G; older notation c.640delG).
Protein change: p.Val214fs; shifts the reading frame from valine 214.
Molecular consequence: frameshift variant. On other transcripts: non-coding transcript variant (7).
Genome position (GRCh38, 1-based): chr1:45,332,455, C deleted on the plus strand (G on the coding strand, the reverse complement: MUTYH is on the minus strand); the first of 3 consecutive C bases (chr1:45,332,455-45,332,457); deleting any one gives the same sequence. VCF-style (leftmost placement, unchanged base first): chr1-45332454-AC-A. GRCh37 (hg19) VCF-style: chr1-45798126-AC-A.
Other names: c.364del, p.Val122fs (NM_001407091.1, NM_001293192.2, NM_001293196.2); c.715del, p.Val239fs (NM_012222.3); c.724delG (NM_001128425.1); c.640del, p.Val214fs (NM_001048171.2, NM_001048173.2, NM_001293195.2 and 6 more transcripts); c.643del, p.Val215fs (NM_001048172.2, NM_001407071.1, NM_001407078.1 and 1 more transcripts); c.724del, p.Val242fs (NM_001128425.2); c.685del, p.Val229fs (NM_001293190.2); c.673del, p.Val225fs (NM_001293191.2, NM_001407069.1, NM_001407077.1); and 6 more; short protein forms V221fs, V228fs, V229fs, V242fs, V201fs, V99fs, V122fs, V186fs.
Identifiers: ClinVar variation 2861916 (VCV002861916.4), dbSNP rs1645092023, ClinGen allele CA2473712736.